The following is an entry in ClinVar:

ClinVar aggregate classification (germline): Benign/Likely benign. Review status: criteria provided, multiple submitters, no conflicts (2 of 4 stars). 4 submissions from 4 submitters: Benign (1); Likely benign (2). 1 of the submissions does not count toward it. Last evaluated 2026-09-01.

Conditions:
MAST1-related disorder. Also called: MAST1-related condition.

Allele frequency attached by ClinVar (database versions not stated): 1000 Genomes Project 30x 0.00031; ESP Exome Variant Server 0.00031; 1000 Genomes Project 0.00040; gnomAD 0.00042; TOPMed 0.00049; ExAC 0.00052; gnomAD exomes 0.00057.
gnomAD v4.1: 902 of 1,614,100 alleles (0.056%); highest among the groups gnomAD compares: Admixed American, 0.11%; no homozygotes.

Submissions (4):

CeGaT Center for Human Genetics Tuebingen
Classification: Likely benign. Last evaluated: 2026-09-01. Review status: criteria provided, single submitter. Criteria: CeGaT Center For Human Genetics Tuebingen Variant Classification Criteria Version 2. Collection method: clinical testing. Allele origin: germline. Affected: yes. Observed: 2 variant alleles.
Comment: MAST1: BP4, BP7

Labcorp Genetics (formerly Invitae), Labcorp
Classification: Benign. Last evaluated: 2025-11-25. Review status: criteria provided, single submitter. Criteria: Invitae Variant Classification Sherloc (09022015). Collection method: clinical testing. Allele origin: germline.

Blueprint Genetics
Classification: Likely benign. Last evaluated: 2024-11-21. Review status: criteria provided, single submitter. Criteria: ACMG Guidelines, 2015. Collection method: clinical testing. Allele origin: germline.

PreventionGenetics, part of Exact Sciences
Classification: Likely benign for MAST1-related condition. Last evaluated: 2019-08-12. Review status: no assertion criteria provided. Collection method: clinical testing. Allele origin: germline. Not counted in ClinVar's aggregate classification.
Comment: This variant is classified as likely benign based on ACMG/AMP sequence variant interpretation guidelines (Richards et al. 2015 PMID: 25741868, with internal and published modifications).

NM_014975.3(MAST1):c.2919G>A (p.Ser973=)

Gene: MAST1 (microtubule associated serine/threonine kinase 1; plus strand). Cytogenetic location: 19p13.13.
Variant type: single nucleotide variant.
Coding change: c.2919G>A on transcript NM_014975.3 (MANE Select); coding-DNA position 2919, G replaced by A.
Protein change: p.Ser973=; no amino-acid change (serine 973 retained).
Molecular consequence: synonymous variant.
Genome position (GRCh38, 1-based): chr19:12,869,211, G>A. VCF-style: chr19-12869211-G-A. GRCh37 (hg19) VCF-style: chr19-12980025-G-A.
Other names: c.2919G>A (NM_014975.2).
Identifiers: ClinVar variation 2043952 (VCV002043952.20), dbSNP rs56065331, ClinGen allele CA9233266.
Genomic context (GRCh38, chr19:12,869,211, plus strand): 5'-CAGCCGGGACTACTCACCAGCTGTCAGTGGGCTCCGCTCCCCCATCACCATCCAGCGCTC[G>A]GGCAAGAAGTATGGCTTCACACTGCGTGCCATCCGTGTCTACATGGGTGACACGGATGTC-3'
Protein context (NP_055790.1, residues 963-983): GLRSPITIQR[Ser973=]GKKYGFTLRA